The following is an entry in ClinVar:

Conditions:
Breast-ovarian cancer, familial, susceptibility to, 1 (BROVCA1). Also called: BRCA1 Hereditary Breast and Ovarian Cancer; OVARIAN CANCER, SUSCEPTIBILITY TO. Identifiers: Orphanet 145, MedGen C2676676, MONDO:0011450, OMIM 604370. Disease mechanism: loss of function.

Submission:

Brotman Baty Institute, University of Washington
No classification provided (evidence only). Condition: Breast-ovarian cancer, familial 1. Review status: no classification provided. Collection method: in vitro. Allele origin: not applicable. Functional consequence: functionally_normal.
ClinVar note: "not provided" was previously submitted as the classification for the variant. However, the classification appeared to be based only on an observation of functional data so it was converted to no classification on 2025-07-30.

NM_007294.4(BRCA1):c.5454C>A (p.Asp1818Glu)

Gene: BRCA1 (BRCA1 DNA repair associated; minus strand). Cytogenetic location: 17q21.31.
Variant type: single nucleotide variant.
Coding change: c.5454C>A on transcript NM_007294.4 (MANE Select); coding-DNA position 5454, C replaced by A.
Protein change: p.Asp1818Glu; replaces aspartic acid 1818 with glutamic acid.
Molecular consequence: missense variant. On other transcripts: non-coding transcript variant (1).
Genome position (GRCh38, 1-based): chr17:43,047,656, G>T on the plus strand (C>A on the coding strand, the complement: BRCA1 is on the minus strand). VCF-style: chr17-43047656-G-T. GRCh37 (hg19) VCF-style: chr17-41199673-G-T.
Other names: c.2142C>A, p.Asp714Glu (NM_001407992.1, NM_001407993.1, NM_007298.4 and 11 more transcripts); c.2139C>A, p.Asp713Glu (NM_001408392.1, NM_001408396.1, NM_001408397.1 and 7 more transcripts); c.2064C>A, p.Asp688Glu (NM_001408412.1, NM_001408413.1, NM_001408414.1 and 2 more transcripts); c.2028C>A, p.Asp676Glu (NM_001408418.1, NM_001408419.1, NM_001408420.1); c.2025C>A, p.Asp675Glu (NM_001408421.1, NM_001408422.1, NM_001408423.1 and 1 more transcripts); c.2019C>A, p.Asp673Glu (NM_001408432.1, NM_001408433.1, NM_001408434.1 and 10 more transcripts); c.2004C>A, p.Asp668Glu (NM_001408452.1, NM_001408453.1, NM_001408454.1 and 3 more transcripts); c.2001C>A, p.Asp667Glu (NM_001408458.1, NM_001408459.1, NM_001408460.1 and 7 more transcripts); and 83 more; short protein forms D714E, D1771E, D1818E, D1839E, Q690K, D1664E, D1690E, D1706E.
Identifiers: ClinVar variation 868507 (VCV000868507.3), dbSNP rs1555574705, ClinGen allele CA10590479.
Genomic context (GRCh38, chr17:43,047,656, plus strand): 5'-CCATGCAAAAGGACCCCATATAGCACAGGTACATGCAGGCACCTTACCATGGAAGCCATT[G>T]TCCTCTGTCCAGGCATCTGGCTGCACAACCACAATTGGGTGGACACCCTGGATCCCCAGG-3'
Protein context (NP_009225.1, residues 1808-1828): VVVQPDAWTE[Asp1818Glu]NGFHAIGQMC